The following is an entry in ClinVar:

NM_032608.7(MYO18B):c.1512+5G>A

Gene: MYO18B (myosin XVIIIB; plus strand). Cytogenetic location: 22q12.1.
Variant type: single nucleotide variant.
Coding change: c.1512+5G>A on transcript NM_032608.7 (MANE Select); 5 bases into the intron after coding-DNA position 1512, G replaced by A.
Molecular consequence: intron variant.
Genome position (GRCh38, 1-based): chr22:25,769,433, G>A. VCF-style: chr22-25769433-G-A. GRCh37 (hg19) VCF-style: chr22-26165400-G-A.
Other names: c.1512+5G>A (NM_001318245.2).
Identifiers: ClinVar variation 1433926 (VCV001433926.5), dbSNP rs781473899, ClinGen allele CA10159835.

ClinVar aggregate classification (germline): Uncertain significance (1 of 4 stars; one submission).

Allele frequency attached by ClinVar (database versions not stated): TOPMed 0.00003; gnomAD 0.00004 and 0.00007; gnomAD exomes 0.00013; ExAC 0.00051.
gnomAD v4.1: 110 of 1,515,284 alleles (0.0073%); highest among the groups gnomAD compares: South Asian, 0.088%; 1 homozygote.

Submission:

Labcorp Genetics (formerly Invitae), Labcorp
Classification: Uncertain significance. Last evaluated: 2025-02-27. Review status: criteria provided, single submitter. Criteria: Invitae Variant Classification Sherloc (09022015). Collection method: clinical testing. Allele origin: germline.
Comment: This sequence change falls in intron 4 of the MYO18B gene. It does not directly change the encoded amino acid sequence of the MYO18B protein. It affects a nucleotide within the consensus splice site. This variant is present in population databases (rs781473899, gnomAD 0.08%). This variant has not been reported in the literature in individuals affected with MYO18B-related conditions. ClinVar contains an entry for this variant (Variation ID: 1433926). Variants that disrupt the consensus splice site are a relatively common cause of aberrant splicing (PMID: 17576681, 9536098). Algorithms developed to predict the effect of sequence changes on RNA splicing suggest that this variant is not likely to affect RNA splicing. In summary, the available evidence is currently insufficient to determine the role of this variant in disease. Therefore, it has been classified as a Variant of Uncertain Significance.

Literature cited by the submitters: PubMed 17576681; PubMed 9536098.